The following is an entry in ClinVar:

ClinVar aggregate classification (germline): Uncertain significance (1 of 4 stars; one submission).

Conditions:
Familial adenomatous polyposis 1 (FAP1). Also called: FAMILIAL ADENOMATOUS POLYPOSIS 1, ATTENUATED; POLYPOSIS, ADENOMATOUS INTESTINAL. Identifiers: MedGen C2713442, MONDO:0021056, OMIM 175100. Disease mechanism: loss of function.

Submission:

Labcorp Genetics (formerly Invitae), Labcorp
Classification: Uncertain significance for Familial adenomatous polyposis 1. Last evaluated: 2024-10-06. Review status: criteria provided, single submitter. Criteria: Invitae Variant Classification Sherloc (09022015). Collection method: clinical testing. Allele origin: germline.
Comment: This sequence change replaces valine, which is neutral and non-polar, with glutamic acid, which is acidic and polar, at codon 47 of the APC protein (p.Val47Glu). This variant is not present in population databases (gnomAD no frequency). This variant has not been reported in the literature in individuals affected with APC-related conditions. Invitae Evidence Modeling of protein sequence and biophysical properties (such as structural, functional, and spatial information, amino acid conservation, physicochemical variation, residue mobility, and thermodynamic stability) indicates that this missense variant is not expected to disrupt APC protein function with a negative predictive value of 95%. In summary, the available evidence is currently insufficient to determine the role of this variant in disease. Therefore, it has been classified as a Variant of Uncertain Significance.

NM_000038.6(APC):c.140T>A (p.Val47Glu)

Gene: APC (APC regulator of Wnt signaling pathway; plus strand). Cytogenetic location: 5q22.2.
Variant type: single nucleotide variant.
Coding change: c.140T>A on transcript NM_000038.6 (MANE Select); coding-DNA position 140, T replaced by A.
Protein change: p.Val47Glu; replaces valine 47 with glutamic acid.
Molecular consequence: missense variant. On other transcripts: 5 prime UTR variant (8), non-coding transcript variant (2).
Genome position (GRCh38, 1-based): chr5:112,766,330, T>A. VCF-style: chr5-112766330-T-A. GRCh37 (hg19) VCF-style: chr5-112102027-T-A.
Other names: c.140T>A, p.Val47Glu (NM_001127510.3, NM_001354895.2, NM_001354896.2 and 16 more transcripts); c.170T>A, p.Val57Glu (NM_001127511.3, NM_001354897.2, NM_001354902.2 and 1 more transcripts); c.65T>A, p.Val22Glu (NM_001354898.2, NM_001354904.2, NM_001407451.1); c.-38T>A (NM_001354900.2, NM_001354901.2, NM_001354905.2 and 1 more transcripts); c.-896T>A (NM_001354906.2, NM_001407470.1, NM_001407471.1 and 1 more transcripts); short protein forms V22E, V47E, V57E.
Identifiers: ClinVar variation 3635391 (VCV003635391.2).
Genomic context (GRCh38, chr5:112,766,330, plus strand): 5'-TCATGTCTTGAAGTTATTTAGAATTTCATGTTAATATATTGTGTTCTTTTTAACAGGAAG[T>A]ACTTAAACAACTACAAGGAAGTATTGAAGATGAAGCTATGGCTTCTTCTGGACAGATTGA-3'
Protein context (NP_000029.2, residues 37-57): LETEASNMKE[Val47Glu]LKQLQGSIED